The following is an entry in ClinVar:

ClinVar aggregate classification (germline): Benign/Likely benign. Review status: criteria provided, multiple submitters, no conflicts (2 of 4 stars). 2 submissions from 2 submitters: Benign (1); Likely benign (1). Last evaluated 2025-12-20.

Conditions:
Cranium bifidum occultum. Also called: CATLIN MARKS; CRANIUM BIFIDUM, HEREDITARY; Enlarged Parietal Foramina. Identifiers: MedGen C1868598, HP:0004423.
MSX2-related disorder. Also called: MSX2-related condition.

Allele frequency attached by ClinVar (database versions not stated): gnomAD exomes 0.00018; ExAC 0.00019; ESP Exome Variant Server 0.00068; TOPMed 0.00087; gnomAD 0.00088 and 0.00097; 1000 Genomes Project 30x 0.00094; 1000 Genomes Project 0.00100.
gnomAD v4.1: 255 of 1,557,378 alleles (0.016%); highest among the groups gnomAD compares: African/African-American, 0.32%; 1 homozygote.

Submissions (2):

Labcorp Genetics (formerly Invitae), Labcorp
Classification: Benign for Cranium bifidum occultum. Last evaluated: 2025-12-20. Review status: criteria provided, single submitter. Criteria: Invitae Variant Classification Sherloc (09022015). Collection method: clinical testing. Allele origin: germline.

PreventionGenetics, part of Exact Sciences
Classification: Likely benign for MSX2-related condition. Last evaluated: 2024-12-06. Review status: criteria provided, single submitter. Criteria: ACMG Guidelines, 2015. Collection method: clinical testing. Allele origin: germline.
Comment: This variant is classified as likely benign based on ACMG/AMP sequence variant interpretation guidelines (Richards et al. 2015 PMID: 25741868, with internal and published modifications).

NM_002449.5(MSX2):c.117C>T (p.Arg39=)

Gene: MSX2 (msh homeobox 2; plus strand). Cytogenetic location: 5q35.2.
Variant type: single nucleotide variant.
Coding change: c.117C>T on transcript NM_002449.5 (MANE Select); coding-DNA position 117, C replaced by T.
Protein change: p.Arg39=; no amino-acid change (arginine 39 retained).
Molecular consequence: synonymous variant.
Genome position (GRCh38, 1-based): chr5:174,724,776, C>T. VCF-style: chr5-174724776-C-T. GRCh37 (hg19) VCF-style: chr5-174151779-C-T.
Other names: c.117C>T, p.Arg39= (NM_001363626.2); c.117C>T (NM_002449.4).
Identifiers: ClinVar variation 1651356 (VCV001651356.10), dbSNP rs376630472, ClinGen allele CA3565104.